The following is an entry in ClinVar:

NM_001369.3(DNAH5):c.11761+2T>A

Gene: DNAH5 (dynein axonemal heavy chain 5; minus strand). Cytogenetic location: 5p15.2.
Variant type: single nucleotide variant.
Coding change: c.11761+2T>A on transcript NM_001369.3 (MANE Select); the canonical splice donor site of the intron after coding-DNA position 11761, T replaced by A.
Molecular consequence: splice donor variant.
Genome position (GRCh38, 1-based): chr5:13,735,129, A>T on the plus strand (T>A on the coding strand, the complement: DNAH5 is on the minus strand). VCF-style: chr5-13735129-A-T. GRCh37 (hg19) VCF-style: chr5-13735238-A-T.
Identifiers: ClinVar variation 1066039 (VCV001066039.7), dbSNP rs2126606448, ClinGen allele CA359222399.

ClinVar aggregate classification (germline): Likely pathogenic (1 of 4 stars; one submission).

Conditions:
Primary ciliary dyskinesia. Also called: Ciliary dyskinesia. Identifiers: Orphanet 244, MedGen C0008780, MONDO:0016575, HP:0012265.

Submission:

Labcorp Genetics (formerly Invitae), Labcorp
Classification: Likely pathogenic for Primary ciliary dyskinesia. Last evaluated: 2020-03-05. Review status: criteria provided, single submitter. Criteria: Invitae Variant Classification Sherloc (09022015). Collection method: clinical testing. Allele origin: germline.
Comment: In summary, the currently available evidence indicates that the variant is pathogenic, but additional data are needed to prove that conclusively. Therefore, this variant has been classified as Likely Pathogenic. Donor and acceptor splice site variants typically lead to a loss of protein function (PMID: 16199547), and loss-of-function variants in DNAH5 are known to be pathogenic (PMID: 11788826, 16627867). Algorithms developed to predict the effect of sequence changes on RNA splicing suggest that this variant may disrupt the consensus splice site, but this prediction has not been confirmed by published transcriptional studies. This variant has not been reported in the literature in individuals with DNAH5-related conditions. This variant is not present in population databases (ExAC no frequency). This sequence change affects a donor splice site in intron 68 of the DNAH5 gene. It is expected to disrupt RNA splicing and likely results in an absent or disrupted protein product.

Literature cited by the submitters: PubMed 16199547; PubMed 11788826; PubMed 16627867.